The following is an entry in ClinVar:

NC_000002.11:g.(?_48023023)_(48033800_?)del

Gene: MSH6 (mutS homolog 6; plus strand). Cytogenetic location: 2p16.3.
Variant type: Deletion.
Identifiers: ClinVar variation 1072679 (VCV001072679.2).

ClinVar aggregate classification (germline): Pathogenic (1 of 4 stars; one submission).

Conditions:
Hereditary nonpolyposis colorectal neoplasms. Identifiers: MedGen C0009405, MeSH D003123.

Submission:

Labcorp Genetics (formerly Invitae), Labcorp
Classification: Pathogenic for Hereditary nonpolyposis colorectal neoplasms. Last evaluated: 2022-10-12. Review status: criteria provided, single submitter. Criteria: Invitae Variant Classification Sherloc (09022015). Collection method: clinical testing. Allele origin: germline.
Comment: This variant is a gross deletion of the genomic region encompassing exon(s) 3-9 of the MSH6 gene. This deletion is out-of-frame, and is expected to create a premature termination codon and result in an absent or disrupted protein product. Loss-of-function variants in MSH6 are known to be pathogenic (PMID: 18269114, 24362816). This variant has not been reported in the literature in individuals affected with MSH6-related conditions. For these reasons, this variant has been classified as Pathogenic.

Literature cited by the submitters: PubMed 18269114; PubMed 24362816.